The following is an entry in ClinVar:

ClinVar aggregate classification (germline): Likely benign. Review status: criteria provided, multiple submitters, no conflicts (2 of 4 stars). 5 submissions from 5 submitters: Likely benign (5). Last evaluated 2026-01-22.

Conditions:
Kidney disorder. Also called: renal disorder; Kidney disease; Kidney Diseases; Nephropathy; renal disease. Identifiers: MedGen C0022658, MONDO:0005240, HP:0000112.

Allele frequency attached by ClinVar (database versions not stated): gnomAD exomes 0.00055 and 0.00141; ExAC 0.00175; gnomAD 0.00590 and 0.00616; TOPMed 0.00665; ESP Exome Variant Server 0.00710; 1000 Genomes Project 0.00759; 1000 Genomes Project 30x 0.00843.
gnomAD v4.1: 1,731 of 1,611,896 alleles (0.11%); highest among the groups gnomAD compares: African/African-American, 2.1%; 80 homozygotes.

Submissions (5):

Women's Health and Genetics/Laboratory Corporation of America, LabCorp
Classification: Likely benign. Last evaluated: 2026-01-22. Review status: criteria provided, single submitter. Criteria: LabCorp Variant Classification Summary - May 2015. Collection method: clinical testing. Allele origin: germline.

Mayo Clinic Laboratories, Mayo Clinic
Classification: Likely benign. Last evaluated: 2024-12-17. Review status: criteria provided, single submitter. Criteria: ACMG Guidelines, 2015. Collection method: clinical testing. Allele origin: germline. Observed: 34 variant alleles.
Comment: BS1, BP4

Genetic Services Laboratory, University of Chicago
Classification: Likely benign. Last evaluated: 2020-06-10. Review status: criteria provided, single submitter. Criteria: ACMG Guidelines, 2015. Collection method: clinical testing. Allele origin: germline. Affected: no.

Genome Diagnostics Laboratory, The Hospital for Sick Children
Classification: Likely benign for Kidney disorder. Last evaluated: 2018-05-01. Review status: criteria provided, single submitter. Criteria: ACMG Guidelines, 2015. Collection method: clinical testing. Allele origin: germline.

Breakthrough Genomics
Classification: Likely benign. Review status: criteria provided, single submitter. Criteria: ACMG Guidelines, 2015. Collection method: not provided. Allele origin: germline. Inheritance: Unknown mechanism. Affected: yes.

Literature cited by the submitters: PubMed 29148534 (cited by Mayo Clinic Laboratories, Mayo Clinic).

NM_001201550.3(CFHR4):c.103T>C (p.Tyr35His)

Gene: CFHR4 (complement factor H related 4; plus strand). Cytogenetic location: 1q31.3.
Variant type: single nucleotide variant.
Coding change: c.103T>C on transcript NM_001201550.3 (MANE Select); coding-DNA position 103, T replaced by C.
Protein change: p.Tyr35His; replaces tyrosine 35 with histidine.
Molecular consequence: missense variant.
Genome position (GRCh38, 1-based): chr1:196,902,462, T>C. VCF-style: chr1-196902462-T-C. GRCh37 (hg19) VCF-style: chr1-196871592-T-C.
Other names: p.Tyr34His; c.100T>C, p.Tyr34His (NM_001201551.2); c.103T>C, p.Tyr35His (NM_006684.5); short protein forms Y34H, Y35H.
Identifiers: ClinVar variation 1336119 (VCV001336119.9), dbSNP rs138792300, ClinGen allele CA1306739.